The following is an entry in ClinVar:

NM_006306.4(SMC1A):c.628C>T (p.Gln210Ter)

Gene: SMC1A (structural maintenance of chromosomes 1A; minus strand). Cytogenetic location: Xp11.22.
Variant type: single nucleotide variant.
Coding change: c.628C>T on transcript NM_006306.4 (MANE Select); coding-DNA position 628, C replaced by T.
Protein change: p.Gln210Ter; replaces glutamine 210 with a stop codon.
Molecular consequence: nonsense.
Genome position (GRCh38, 1-based): chrX:53,413,126, G>A on the plus strand (C>T on the coding strand, the complement: SMC1A is on the minus strand). VCF-style: chrX-53413126-G-A. GRCh37 (hg19) VCF-style: chrX-53440076-G-A.
Other names: c.562C>T, p.Gln188Ter (NM_001281463.1); short protein forms Q210*, Q188*.
Identifiers: ClinVar variation 1398517 (VCV001398517.6), dbSNP rs2146605443, ClinGen allele CA413258994.
Genomic context (GRCh38, chrX:53,413,126, plus strand): 5'-GGTAAAGCTTAAAGAGCTGCAGCTGTACCTGAGCCCGTACTACCTCATCCTTCAGGCGCT[G>A]GTACCGGTCAGCCTGTGCAAACAGGGGAATGGTGGCAGGGGTGCATCGATAAGGCACTGG-3'

ClinVar aggregate classification (germline): Pathogenic (1 of 4 stars; one submission).

Conditions:
Congenital muscular hypertrophy-cerebral syndrome (CDLS2). Also called: Cornelia de Lange syndrome 2; SMC1A-Related Cornelia de Lange Syndrome. Identifiers: Orphanet 199, MedGen C1802395, MONDO:0010370, OMIM 300590.

Submission:

Labcorp Genetics (formerly Invitae), Labcorp
Classification: Pathogenic for Congenital muscular hypertrophy-cerebral syndrome. Last evaluated: 2020-12-20. Review status: criteria provided, single submitter. Criteria: Invitae Variant Classification Sherloc (09022015). Collection method: clinical testing. Allele origin: germline.
Comment: This sequence change creates a premature translational stop signal (p.Gln210*) in the SMC1A gene. It is expected to result in an absent or disrupted protein product. Loss-of-function variants in SMC1A are known to be pathogenic (PMID: 26386245, 27334371, 28166369, 28548707, 31334757). For these reasons, this variant has been classified as Pathogenic. This variant has not been reported in the literature in individuals with SMC1A-related conditions. This variant is not present in population databases (ExAC no frequency).

Literature cited by the submitters: PubMed 26386245; PubMed 27334371; PubMed 28166369; PubMed 28548707; PubMed 31334757.